The following is an entry in ClinVar:

ClinVar aggregate classification (germline): Uncertain significance (1 of 4 stars; one submission).

Conditions:
Leukoencephalopathy with vanishing white matter 1 (VWM1). Also called: CHILDHOOD ATAXIA WITH CENTRAL NERVOUS SYSTEM HYPOMYELINIZATION; Cree leukoencephalopathy; Vanishing white matter leukodystrophy; EIF2B1-Related Childhood Ataxia with Central Nervous System Hypomyelination/Vanishing White Matter. Identifiers: Orphanet 99854, MedGen C5779972, MONDO:0020507, OMIM 603896.

Submission:

Neuberg Centre For Genomic Medicine, NCGM
Classification: Uncertain significance for Leukoencephalopathy with vanishing white matter 1. Review status: criteria provided, single submitter. Criteria: ACMG Guidelines, 2015. Collection method: clinical testing. Allele origin: germline. Inheritance: Autosomal recessive inheritance. Affected: yes.
Comment: The missense variant c.875C>G (p.Thr292Arg) in EIF2B1 gene has not been reported previously as a pathogenic variant nor as a benign variant, to our knowledge. The p.Thr292Arg variant is novel (not in any individuals) in gnomAD exomes and 1000 Genomes. This variant has not been reported to the ClinVar database. The amino acid Thr at position 292 is changed to a Arg changing protein sequence and it might alter its composition and physico-chemical properties. The amino acid change p.Thr292Arg in EIF2B1 is predicted as conserved by GERP++ and PhyloP across 100 vertebrates. For these reasons, this variant has been classified as Uncertain Significance (VUS).

NM_001414.4(EIF2B1):c.875C>G (p.Thr292Arg)

Genes: EIF2B1 (eukaryotic translation initiation factor 2B subunit alpha; minus strand), LOC126861664 (CDK7 strongly-dependent group 2 enhancer GRCh37_chr12:124105924-124107123; plus strand). Cytogenetic location: 12q24.31.
Variant type: single nucleotide variant.
Coding change: c.875C>G on transcript NM_001414.4 (MANE Select); coding-DNA position 875, C replaced by G.
Protein change: p.Thr292Arg; replaces threonine 292 with arginine.
Molecular consequence: missense variant.
Genome position (GRCh38, 1-based): chr12:123,621,799, G>C on the plus strand (C>G on the coding strand, the complement: EIF2B1 is on the minus strand). VCF-style: chr12-123621799-G-C. GRCh37 (hg19) VCF-style: chr12-124106346-G-C.
Other names: short protein forms T292R.
Identifiers: ClinVar variation 2584935 (VCV002584935.1), dbSNP rs2547826828, ClinGen allele CA387138085.